The following is an entry in ClinVar:

NM_020184.4(CNNM4):c.145A>T (p.Met49Leu)

Gene: CNNM4 (cyclin and CBS domain divalent metal cation transport mediator 4; plus strand). Cytogenetic location: 2q11.2.
Variant type: single nucleotide variant.
Coding change: c.145A>T on transcript NM_020184.4 (MANE Select); coding-DNA position 145, A replaced by T.
Protein change: p.Met49Leu; replaces methionine 49 with leucine.
Molecular consequence: missense variant.
Genome position (GRCh38, 1-based): chr2:96,761,144, A>T. VCF-style: chr2-96761144-A-T. GRCh37 (hg19) VCF-style: chr2-97426881-A-T.
Other names: c.145A>T (NM_020184.3); short protein forms M49L.
Identifiers: ClinVar variation 1517609 (VCV001517609.6), dbSNP rs148013233, ClinGen allele CA1783160.

ClinVar aggregate classification (germline): Uncertain significance. Review status: criteria provided, multiple submitters, no conflicts (2 of 4 stars). 2 submissions from 2 submitters: Uncertain significance (2). Last evaluated 2025-10-18.

Conditions:
Inborn genetic diseases. Identifiers: MedGen C0950123, MeSH D030342.

Allele frequency attached by ClinVar (database versions not stated): gnomAD 0.00003; TOPMed 0.00003; ESP Exome Variant Server 0.00008; ExAC 0.00003.
gnomAD v4.1: 9 of 1,604,962 alleles (0.00056%); highest among the groups gnomAD compares: African/African-American, 0.011%; no homozygotes.

Submissions (2):

Ambry Genetics
Classification: Uncertain significance for Inborn genetic diseases. Last evaluated: 2025-10-18. Review status: criteria provided, single submitter. Criteria: Ambry Variant Classification Scheme 2023. Collection method: clinical testing. Allele origin: germline.

Labcorp Genetics (formerly Invitae), Labcorp
Classification: Uncertain significance. Last evaluated: 2021-09-17. Review status: criteria provided, single submitter. Criteria: Invitae Variant Classification Sherloc (09022015). Collection method: clinical testing. Allele origin: germline.
Comment: This sequence change replaces methionine with leucine at codon 49 of the CNNM4 protein (p.Met49Leu). The methionine residue is weakly conserved and there is a small physicochemical difference between methionine and leucine. This variant is present in population databases (rs148013233, ExAC 0.03%). This variant has not been reported in the literature in individuals with CNNM4-related conditions. Algorithms developed to predict the effect of missense changes on protein structure and function (SIFT, PolyPhen-2, Align-GVGD) all suggest that this variant is likely to be tolerated, but these predictions have not been confirmed by published functional studies and their clinical significance is uncertain. In summary, the available evidence is currently insufficient to determine the role of this variant in disease. Therefore, it has been classified as a Variant of Uncertain Significance.